The following is an entry in ClinVar:

NM_005138.3(SCO2):c.254T>A (p.Leu85Gln)

Genes: NCAPH2 (non-SMC condensin II complex subunit H2; plus strand), SCO2 (synthesis of cytochrome C oxidase 2; minus strand). Cytogenetic location: 22q13.33.
Variant type: single nucleotide variant.
Coding change: c.254T>A on transcript NM_005138.3 (MANE Select); coding-DNA position 254, T replaced by A.
Protein change: p.Leu85Gln; replaces leucine 85 with glutamine.
Molecular consequence: missense variant. On other transcripts: 3 prime UTR variant (2).
Genome position (GRCh38, 1-based): chr22:50,524,158, A>T on the plus strand (T>A on the coding strand, the complement: SCO2 is on the minus strand). VCF-style: chr22-50524158-A-T. GRCh37 (hg19) VCF-style: chr22-50962587-A-T.
Other names: c.*783A>T (NM_001185011.2, NM_152299.4); c.254T>A, p.Leu85Gln (NM_001169109.2, NM_001169110.1, NM_001169111.2); short protein forms L85Q.
Identifiers: ClinVar variation 2202443 (VCV002202443.2), dbSNP rs979868618, ClinGen allele CA325555893.
Genomic context (GRCh38, chr22:50,524,158, plus strand): 5'-TGGAAGTCGCCCTGGCCCACAGCTGCCTGGCGCAGGGCTTCTGTTCGCTTTTGCTGCTGC[A>T]GCCTCTCCTTCTCAGCCCTCAGGGCCAGCCAGGCCCCACCGAGTCCAGCCCCGAACAGGC-3'
Protein context (NP_005129.2, residues 75-95): WLALRAEKER[Leu85Gln]QQQKRTEALR

ClinVar aggregate classification (germline): Uncertain significance. Review status: criteria provided, multiple submitters, no conflicts (2 of 4 stars). 2 submissions from 2 submitters: Uncertain significance (2). Last evaluated 2024-05-15.

Conditions:
Inborn genetic diseases. Identifiers: MedGen C0950123, MeSH D030342.

Allele frequency attached by ClinVar (database versions not stated): gnomAD 0.00002; TOPMed 0.00002.
gnomAD v4.1: 11 of 1,611,058 alleles (0.00068%); highest among the groups gnomAD compares: African/African-American, 0.0013%; no homozygotes.

Submissions (2):

Ambry Genetics
Classification: Uncertain significance for Inborn genetic diseases. Last evaluated: 2024-05-15. Review status: criteria provided, single submitter. Criteria: Ambry Variant Classification Scheme 2023. Collection method: clinical testing. Allele origin: germline.

Labcorp Genetics (formerly Invitae), Labcorp
Classification: Uncertain significance. Last evaluated: 2022-08-01. Review status: criteria provided, single submitter. Criteria: Invitae Variant Classification Sherloc (09022015). Collection method: clinical testing. Allele origin: germline.
Comment: This sequence change replaces leucine, which is neutral and non-polar, with glutamine, which is neutral and polar, at codon 85 of the SCO2 protein (p.Leu85Gln). This variant is present in population databases (no rsID available, gnomAD 0.004%). This variant has not been reported in the literature in individuals affected with SCO2-related conditions. Algorithms developed to predict the effect of missense changes on protein structure and function output the following: SIFT: "Tolerated"; PolyPhen-2: "Benign"; Align-GVGD: "Class C0". The glutamine amino acid residue is found in multiple mammalian species, which suggests that this missense change does not adversely affect protein function. In summary, the available evidence is currently insufficient to determine the role of this variant in disease. Therefore, it has been classified as a Variant of Uncertain Significance.